The following is an entry in ClinVar:

ClinVar aggregate classification (germline): Uncertain significance (1 of 4 stars; one submission).

Conditions:
Pancreatic adenocarcinoma. Identifiers: MedGen C0281361, MONDO:0006047, HP:0006725.

Submission:

Labcorp Genetics (formerly Invitae), Labcorp
Classification: Uncertain significance for Pancreatic adenocarcinoma. Last evaluated: 2020-08-24. Review status: criteria provided, single submitter. Criteria: Invitae Variant Classification Sherloc (09022015). Collection method: clinical testing. Allele origin: germline.
Comment: This sequence change replaces serine with tyrosine at codon 251 of the PALLD protein (p.Ser251Tyr). The serine residue is highly conserved and there is a large physicochemical difference between serine and tyrosine. This variant is not present in population databases (ExAC no frequency). This variant has not been reported in the literature in individuals with PALLD-related conditions. Algorithms developed to predict the effect of missense changes on protein structure and function are either unavailable or do not agree on the potential impact of this missense change (SIFT: "Deleterious"; PolyPhen-2: "Benign"; Align-GVGD: "Class C65"). In summary, the available evidence is currently insufficient to determine the role of this variant in disease. Therefore, it has been classified as a Variant of Uncertain Significance.

NM_001166108.2(PALLD):c.2264C>A (p.Ser755Tyr)

Genes: CBR4 (carbonyl reductase 4; minus strand), PALLD (palladin, cytoskeletal associated protein; plus strand). Cytogenetic location: 4q32.3.
Variant type: single nucleotide variant.
Coding change: c.2264C>A on transcript NM_001166108.2 (MANE Select); coding-DNA position 2264, C replaced by A.
Protein change: p.Ser755Tyr; replaces serine 755 with tyrosine.
Molecular consequence: missense variant.
Genome position (GRCh38, 1-based): chr4:168,898,506, C>A. VCF-style: chr4-168898506-C-A. GRCh37 (hg19) VCF-style: chr4-169819657-C-A.
Other names: c.1067C>A, p.Ser356Tyr (NM_001166109.2); c.752C>A, p.Ser251Tyr (NM_001166110.2); c.92C>A, p.Ser31Tyr (NM_001367567.1, NM_001367569.1); c.143C>A, p.Ser48Tyr (NM_001367568.1, NM_001367570.1); c.2213C>A, p.Ser738Tyr (NM_016081.4); short protein forms S251Y, S31Y, S356Y, S48Y, S738Y, S755Y.
Identifiers: ClinVar variation 1026834 (VCV001026834.8), dbSNP rs1755762387, ClinGen allele CA358798565.
Genomic context (GRCh38, chr4:168,898,506, plus strand): 5'-TTGTCAGAAGGGATTGAGTCTGCTAACTTAAACTTTCCTTGATTCAGGAATACAAAGTCT[C>A]CAGCTGTGAACAGAGACTCATCAGTGAAATAGAGTACAGGCTAGAAAGGTCTCCTGTGGA-3'
Protein context (NP_001159580.1, residues 745-765): PLDGQKEYKV[Ser755Tyr]SCEQRLISEI